The following is an entry in ClinVar:

ClinVar aggregate classification (germline): Uncertain significance. Review status: criteria provided, multiple submitters, no conflicts (2 of 4 stars). 2 submissions from 2 submitters: Uncertain significance (2). Last evaluated 2024-01-22.

Allele frequency attached by ClinVar (database versions not stated): gnomAD 0.00001; TOPMed 0.00006.

Submissions (2):

Labcorp Genetics (formerly Invitae), Labcorp
Classification: Uncertain significance. Last evaluated: 2024-01-22. Review status: criteria provided, single submitter. Criteria: Invitae Variant Classification Sherloc (09022015). Collection method: clinical testing. Allele origin: germline.
Comment: This sequence change replaces glutamic acid, which is acidic and polar, with valine, which is neutral and non-polar, at codon 368 of the GPR101 protein (p.Glu368Val). This variant is not present in population databases (gnomAD no frequency). This variant has not been reported in the literature in individuals affected with GPR101-related conditions. An algorithm developed to predict the effect of missense changes on protein structure and function (PolyPhen-2) suggests that this variant is likely to be disruptive. In summary, the available evidence is currently insufficient to determine the role of this variant in disease. Therefore, it has been classified as a Variant of Uncertain Significance.

Ambry Genetics
Classification: Uncertain significance. Last evaluated: 2023-12-21. Review status: criteria provided, single submitter. Criteria: Ambry Variant Classification Scheme 2023. Collection method: clinical testing. Allele origin: germline.

NM_054021.2(GPR101):c.1103A>T (p.Glu368Val)

Gene: GPR101 (G protein-coupled receptor 101; minus strand). Cytogenetic location: Xq26.3.
Variant type: single nucleotide variant.
Coding change: c.1103A>T on transcript NM_054021.2 (MANE Select); coding-DNA position 1103, A replaced by T.
Protein change: p.Glu368Val; replaces glutamic acid 368 with valine.
Molecular consequence: missense variant.
Genome position (GRCh38, 1-based): chrX:137,030,572, T>A on the plus strand (A>T on the coding strand, the complement: GPR101 is on the minus strand). VCF-style: chrX-137030572-T-A. GRCh37 (hg19) VCF-style: chrX-136112731-T-A.
Other names: c.1103A>T (NM_054021.1); short protein forms E368V.
Identifiers: ClinVar variation 2976970 (VCV002976970.4), dbSNP rs1313173892, ClinGen allele CA414766503.